The following is an entry in ClinVar:

NM_018979.4(WNK1):c.5809A>T (p.Thr1937Ser)

Gene: WNK1 (WNK lysine deficient protein kinase 1; plus strand). Cytogenetic location: 12p13.33.
Variant type: single nucleotide variant.
Coding change: c.5809A>T on transcript NM_018979.4 (MANE Select); coding-DNA position 5809, A replaced by T.
Protein change: p.Thr1937Ser; replaces threonine 1937 with serine.
Molecular consequence: missense variant.
Genome position (GRCh38, 1-based): chr12:896,296, A>T. VCF-style: chr12-896296-A-T. GRCh37 (hg19) VCF-style: chr12-1005462-A-T.
Other names: c.6589A>T, p.Thr2197Ser (NM_001184985.2); c.5065A>T, p.Thr1689Ser (NM_014823.3); c.6565A>T, p.Thr2189Ser (NM_213655.5); short protein forms T1689S, T2189S, T2197S, T1937S.
Identifiers: ClinVar variation 1754216 (VCV001754216.2), dbSNP rs2497538831, ClinGen allele CA383335300.

ClinVar aggregate classification (germline): Uncertain significance (1 of 4 stars; one submission).

Conditions:
Inborn genetic diseases. Identifiers: MedGen C0950123, MeSH D030342.

Allele frequency attached by ClinVar (database versions not stated): gnomAD exomes 0.00001.
gnomAD v4.1: 9 of 1,614,238 alleles (0.00056%); highest among the groups gnomAD compares: Non-Finnish European, 0.00076%; no homozygotes.

Submission:

Ambry Genetics
Classification: Uncertain significance for Inborn genetic diseases. Last evaluated: 2020-12-23. Review status: criteria provided, single submitter. Criteria: Ambry Variant Classification Scheme 2023. Collection method: clinical testing. Allele origin: germline.
Comment: The p.T2189S variant (also known as c.6565A>T), located in coding exon 24 of the WNK1 gene, results from an A to T substitution at nucleotide position 6565. The threonine at codon 2189 is replaced by serine, an amino acid with similar properties. This amino acid position is not well conserved in available vertebrate species. In addition, this alteration is predicted to be tolerated by in silico analysis. Since supporting evidence is limited at this time, the clinical significance of this alteration remains unclear.